The following is an entry in ClinVar:

ClinVar aggregate classification (germline): Pathogenic (1 of 4 stars; one submission).

Conditions:
Spastic paraplegia. Identifiers: MedGen C0037772, HP:0001258.

Submission:

Labcorp Genetics (formerly Invitae), Labcorp
Classification: Pathogenic for Spastic paraplegia. Last evaluated: 2020-09-13. Review status: criteria provided, single submitter. Criteria: Invitae Variant Classification Sherloc (09022015). Collection method: clinical testing. Allele origin: germline.
Comment: For these reasons, this variant has been classified as Pathogenic. This variant disrupts the C-terminus of the SACS protein. Other variant(s) that disrupt this region (p.Tyr4538*) have been determined to be pathogenic (Invitae). This suggests that variants that disrupt this region of the protein are likely to be causative of disease. This variant has not been reported in the literature in individuals with SACS-related conditions. This variant is not present in population databases (ExAC no frequency). This sequence change results in a premature translational stop signal in the SACS gene (p.Gln4403Argfs*6). While this is not anticipated to result in nonsense mediated decay, it is expected to disrupt the last 177 amino acids of the SACS protein.

NM_014363.6(SACS):c.13208_13209del (p.Gln4403fs)

Gene: SACS (sacsin molecular chaperone; minus strand). Cytogenetic location: 13q12.12.
Variant type: Deletion.
Coding change: c.13208_13209del on transcript NM_014363.6 (MANE Select); coding-DNA positions 13208 to 13209, 2 bases deleted (AA; older notation c.13208_13209delAA).
Protein change: p.Gln4403fs; shifts the reading frame from glutamine 4403.
Molecular consequence: frameshift variant.
Genome position (GRCh38, 1-based): chr13:23,330,667-23,330,668, TT deleted on the plus strand (AA on the coding strand, the reverse complement: SACS is on the minus strand). VCF-style (leftmost placement, unchanged base first): chr13-23330666-CTT-C. GRCh37 (hg19) VCF-style: chr13-23904805-CTT-C.
Other names: c.12767_12768del, p.Gln4256fs (NM_001278055.2); short protein forms Q4256fs, Q4403fs.
Identifiers: ClinVar variation 1075038 (VCV001075038.9), dbSNP rs2137550994, ClinGen allele CA2499221969.